The following is an entry in ClinVar:

NM_206933.4(USH2A):c.5797G>A (p.Ala1933Thr)

Genes: USH2A (usherin; minus strand), USH2A-AS2 (USH2A antisense RNA 2; plus strand). Cytogenetic location: 1q41.
Variant type: single nucleotide variant.
Coding change: c.5797G>A on transcript NM_206933.4 (MANE Select); coding-DNA position 5797, G replaced by A.
Protein change: p.Ala1933Thr; replaces alanine 1933 with threonine.
Molecular consequence: missense variant.
Genome position (GRCh38, 1-based): chr1:216,072,949, C>T on the plus strand (G>A on the coding strand, the complement: USH2A is on the minus strand). VCF-style: chr1-216072949-C-T. GRCh37 (hg19) VCF-style: chr1-216246291-C-T.
Other names: short protein forms A1933T.
Identifiers: ClinVar variation 2111340 (VCV002111340.4), dbSNP rs2527776851, ClinGen allele CA344853874.

ClinVar aggregate classification (germline): Uncertain significance (1 of 4 stars; one submission).

Submission:

Labcorp Genetics (formerly Invitae), Labcorp
Classification: Uncertain significance. Last evaluated: 2022-03-13. Review status: criteria provided, single submitter. Criteria: Invitae Variant Classification Sherloc (09022015). Collection method: clinical testing. Allele origin: germline.
Comment: In summary, the available evidence is currently insufficient to determine the role of this variant in disease. Therefore, it has been classified as a Variant of Uncertain Significance. Algorithms developed to predict the effect of missense changes on protein structure and function (SIFT, PolyPhen-2, Align-GVGD) all suggest that this variant is likely to be disruptive. This variant has not been reported in the literature in individuals affected with USH2A-related conditions. This variant is not present in population databases (gnomAD no frequency). This sequence change replaces alanine, which is neutral and non-polar, with threonine, which is neutral and polar, at codon 1933 of the USH2A protein (p.Ala1933Thr).